The following is an entry in ClinVar:

ClinVar aggregate classification (germline): Uncertain significance. Review status: criteria provided, multiple submitters, no conflicts (2 of 4 stars). 2 submissions from 2 submitters: Uncertain significance (2). Last evaluated 2022-03-20.

Conditions:
Inborn genetic diseases. Identifiers: MedGen C0950123, MeSH D030342.
Kufor-Rakeb syndrome (KRS). Also called: PARKINSON DISEASE 9, AUTOSOMAL RECESSIVE, JUVENILE-ONSET. Identifiers: Orphanet 306674, Orphanet 314632, MedGen C1847640, MONDO:0011706, OMIM 606693.
Autosomal recessive spastic paraplegia type 78. Identifiers: Orphanet 513436, MedGen C5567893, MONDO:0014975, OMIM 617225.

Allele frequency attached by ClinVar (database versions not stated): gnomAD exomes below 0.00001.

Submissions (2):

Labcorp Genetics (formerly Invitae), Labcorp
Classification: Uncertain significance for Kufor-Rakeb syndrome; Autosomal recessive spastic paraplegia type 78. Last evaluated: 2022-03-20. Review status: criteria provided, single submitter. Criteria: Invitae Variant Classification Sherloc (09022015). Collection method: clinical testing. Allele origin: germline.
Comment: This sequence change replaces aspartic acid, which is acidic and polar, with glutamic acid, which is acidic and polar, at codon 817 of the ATP13A2 protein (p.Asp817Glu). This variant is not present in population databases (gnomAD no frequency). This variant has not been reported in the literature in individuals affected with ATP13A2-related conditions. Advanced modeling of protein sequence and biophysical properties (such as structural, functional, and spatial information, amino acid conservation, physicochemical variation, residue mobility, and thermodynamic stability) performed at Invitae indicates that this missense variant is not expected to disrupt ATP13A2 protein function. In summary, the available evidence is currently insufficient to determine the role of this variant in disease. Therefore, it has been classified as a Variant of Uncertain Significance.

Ambry Genetics
Classification: Uncertain significance for Inborn genetic diseases. Last evaluated: 2021-01-05. Review status: criteria provided, single submitter. Criteria: Ambry Variant Classification Scheme 2023. Collection method: clinical testing. Allele origin: germline.
Comment: The c.2451C>G (p.D817E) alteration is located in exon 22 (coding exon 22) of the ATP13A2 gene. This alteration results from a C to G substitution at nucleotide position 2451, causing the aspartic acid (D) at amino acid position 817 to be replaced by a glutamic acid (E). The p.D817E alteration is predicted to be tolerated by in silico analysis. Based on insufficient or conflicting evidence, the clinical significance of this alteration remains unclear.

NM_022089.4(ATP13A2):c.2451C>G (p.Asp817Glu)

Gene: ATP13A2 (ATPase cation transporting 13A2; minus strand). Cytogenetic location: 1p36.13.
Variant type: single nucleotide variant.
Coding change: c.2451C>G on transcript NM_022089.4 (MANE Select); coding-DNA position 2451, C replaced by G.
Protein change: p.Asp817Glu; replaces aspartic acid 817 with glutamic acid.
Molecular consequence: missense variant. On other transcripts: intron variant (1).
Genome position (GRCh38, 1-based): chr1:16,989,965, G>C on the plus strand (C>G on the coding strand, the complement: ATP13A2 is on the minus strand). VCF-style: chr1-16989965-G-C. GRCh37 (hg19) VCF-style: chr1-17316460-G-C.
Other names: c.2436C>G, p.Asp812Glu (NM_001141973.3); c.2397+162C>G (NM_001141974.3); short protein forms D812E, D817E.
Identifiers: ClinVar variation 2115025 (VCV002115025.5), dbSNP rs372376094, ClinGen allele CA338240693.